The following is an entry in ClinVar:

ClinVar aggregate classification (germline): Pathogenic (1 of 4 stars; one submission).

Conditions:
Epilepsy, progressive myoclonic, 11. Identifiers: MedGen C5394362, MONDO:0030034, OMIM 618876.

Submission:

Institute of Human Genetics, University of Leipzig Medical Center
Classification: Pathogenic for Epilepsy, progressive myoclonic, 11. Last evaluated: 2025-03-04. Review status: criteria provided, single submitter. Criteria: ACMG Guidelines, 2015. Collection method: clinical testing. Allele origin: de novo. Inheritance: Autosomal dominant inheritance. Affected: yes.
Comment: Criteria applied: PVS1,PS2,PS4_MOD,PM2

NM_032108.4(SEMA6B):c.2067_2070delinsAGCA (p.Trp689_Ala690delinsTer)

Gene: SEMA6B (semaphorin 6B; minus strand). Cytogenetic location: 19p13.3.
Variant type: Indel.
Coding change: c.2067_2070delinsAGCA on transcript NM_032108.4 (MANE Select); coding-DNA positions 2067 to 2070, GGCC replaced by AGCA.
Protein change: p.Trp689_Ala690delinsTer.
Molecular consequence: nonsense.
Genome position (GRCh38, 1-based): chr19:4,544,198-4,544,201, GGCC replaced by TGCT on the plus strand (GGCC replaced by AGCA on the coding strand, the reverse complement: SEMA6B is on the minus strand). VCF-style: chr19-4544198-GGCC-TGCT. GRCh37 (hg19) VCF-style: chr19-4544210-GGCC-TGCT.
Identifiers: ClinVar variation 3773719 (VCV003773719.2).